The following is an entry in ClinVar:

ClinVar aggregate classification (germline): Uncertain significance. Review status: criteria provided, multiple submitters, no conflicts (2 of 4 stars). 2 submissions from 2 submitters: Uncertain significance (2). Last evaluated 2026-02-01.

Conditions:
Peroxisome biogenesis disorder. Identifiers: Orphanet 79189, MedGen C1832200, MONDO:0019234. Disease mechanism: loss of function.

Submissions (2):

Labcorp Genetics (formerly Invitae), Labcorp
Classification: Uncertain significance for Peroxisome biogenesis disorder. Last evaluated: 2026-02-01. Review status: criteria provided, single submitter. Criteria: Invitae Variant Classification Sherloc (09022015). Collection method: clinical testing. Allele origin: germline.
Comment: This sequence change replaces proline, which is neutral and non-polar, with serine, which is neutral and polar, at codon 176 of the PEX6 protein (p.Pro176Ser). The frequency data for this variant in the population databases is considered unreliable, as metrics indicate poor data quality at this position in the gnomAD database. This variant has not been reported in the literature in individuals affected with PEX6-related conditions. An algorithm developed to predict the effect of missense changes on protein structure and function (PolyPhen-2) suggests that this variant is likely to be tolerated. In summary, the available evidence is currently insufficient to determine the role of this variant in disease. Therefore, it has been classified as a Variant of Uncertain Significance.

Blueprint Genetics
Classification: Uncertain significance. Last evaluated: 2020-06-29. Review status: criteria provided, single submitter. Criteria: ACMG Guidelines, 2015. Collection method: clinical testing. Allele origin: germline.

NM_000287.4(PEX6):c.526C>T (p.Pro176Ser)

Gene: PEX6 (peroxisomal biogenesis factor 6; minus strand). Cytogenetic location: 6p21.1.
Variant type: single nucleotide variant.
Coding change: c.526C>T on transcript NM_000287.4 (MANE Select); coding-DNA position 526, C replaced by T.
Protein change: p.Pro176Ser; replaces proline 176 with serine.
Molecular consequence: missense variant. On other transcripts: non-coding transcript variant (1).
Genome position (GRCh38, 1-based): chr6:42,978,625, G>A on the plus strand (C>T on the coding strand, the complement: PEX6 is on the minus strand). VCF-style: chr6-42978625-G-A. GRCh37 (hg19) VCF-style: chr6-42946363-G-A.
Other names: c.526C>T, p.Pro176Ser (NM_001316313.2); short protein forms P176S.
Identifiers: ClinVar variation 4798978 (VCV004798978.2).